The following is an entry in ClinVar:

NM_004281.4(BAG3):c.1599C>G (p.Asp533Glu)

Gene: BAG3 (BAG cochaperone 3; plus strand). Cytogenetic location: 10q26.11.
Variant type: single nucleotide variant.
Coding change: c.1599C>G on transcript NM_004281.4 (MANE Select); coding-DNA position 1599, C replaced by G.
Protein change: p.Asp533Glu; replaces aspartic acid 533 with glutamic acid.
Molecular consequence: missense variant.
Genome position (GRCh38, 1-based): chr10:119,677,153, C>G. VCF-style: chr10-119677153-C-G. GRCh37 (hg19) VCF-style: chr10-121436665-C-G.
Other names: short protein forms D533E.
Identifiers: ClinVar variation 2116014 (VCV002116014.4), dbSNP rs749576988, ClinGen allele CA378297668.
Genomic context (GRCh38, chr10:119,677,153, plus strand): 5'-CAACCTTGAAGCAGATCAGCCACTGCAGGCAATCATGGAGATGGGTGCCGTGGCAGCAGA[C>G]AAGGGCAAGAAAAATGCTGGAAATGCAGAAGATCCCCACACAGAAACCCAGCAGCCAGAA-3'
Protein context (NP_004272.2, residues 523-543): AIMEMGAVAA[Asp533Glu]KGKKNAGNAE

ClinVar aggregate classification (germline): Uncertain significance (1 of 4 stars; one submission).

Conditions:
Myofibrillar myopathy 6. Identifiers: Orphanet 199340, MedGen C2751831, MONDO:0013061, OMIM 612954.
Dilated cardiomyopathy 1HH (CMD1HH). Identifiers: Orphanet 154, MedGen C3151293, MONDO:0013479, OMIM 613881.

Submission:

Labcorp Genetics (formerly Invitae), Labcorp
Classification: Uncertain significance for Dilated cardiomyopathy 1HH; Myofibrillar myopathy 6. Last evaluated: 2022-04-08. Review status: criteria provided, single submitter. Criteria: Invitae Variant Classification Sherloc (09022015). Collection method: clinical testing. Allele origin: germline.
Comment: In summary, the available evidence is currently insufficient to determine the role of this variant in disease. Therefore, it has been classified as a Variant of Uncertain Significance. Algorithms developed to predict the effect of missense changes on protein structure and function are either unavailable or do not agree on the potential impact of this missense change (SIFT: "Tolerated"; PolyPhen-2: "Not Available"; Align-GVGD: "Class C0"). This variant has not been reported in the literature in individuals affected with BAG3-related conditions. This variant is not present in population databases (gnomAD no frequency). This sequence change replaces aspartic acid, which is acidic and polar, with glutamic acid, which is acidic and polar, at codon 533 of the BAG3 protein (p.Asp533Glu).